The following is an entry in ClinVar:

ClinVar aggregate classification (germline): Likely benign. Review status: criteria provided, multiple submitters, no conflicts (2 of 4 stars). 2 submissions from 2 submitters: Likely benign (2). Last evaluated 2026-03-01.

gnomAD v4.1: 49 of 1,549,178 alleles (0.0032%); highest among the groups gnomAD compares: Middle Eastern, 0.017%; no homozygotes.

Submissions (2):

CeGaT Center for Human Genetics Tuebingen
Classification: Likely benign. Last evaluated: 2026-03-01. Review status: criteria provided, single submitter. Criteria: CeGaT Center For Human Genetics Tuebingen Variant Classification Criteria Version 2. Collection method: clinical testing. Allele origin: germline. Affected: yes. Observed: 1 variant allele.
Comment: PIEZO1: BP4, BP7

Labcorp Genetics (formerly Invitae), Labcorp
Classification: Likely benign. Last evaluated: 2021-08-04. Review status: criteria provided, single submitter. Criteria: Invitae Variant Classification Sherloc (09022015). Collection method: clinical testing. Allele origin: germline.

NM_001142864.4(PIEZO1):c.3432C>T (p.Pro1144=)

Gene: PIEZO1 (piezo type mechanosensitive ion channel component 1 (Er blood group); minus strand). Cytogenetic location: 16q24.3.
Variant type: single nucleotide variant.
Coding change: c.3432C>T on transcript NM_001142864.4 (MANE Select); coding-DNA position 3432, C replaced by T.
Protein change: p.Pro1144=; no amino-acid change (proline 1144 retained).
Molecular consequence: synonymous variant.
Genome position (GRCh38, 1-based): chr16:88,727,062, G>A on the plus strand (C>T on the coding strand, the complement: PIEZO1 is on the minus strand). VCF-style: chr16-88727062-G-A. GRCh37 (hg19) VCF-style: chr16-88793470-G-A.
Identifiers: ClinVar variation 1621690 (VCV001621690.14), dbSNP rs537303503, ClinGen allele CA286413891.